The following is an entry in ClinVar:

ClinVar aggregate classification (germline): Likely benign. Review status: criteria provided, multiple submitters, no conflicts (2 of 4 stars). 2 submissions from 2 submitters: Likely benign (2). Last evaluated 2026-09-01.

gnomAD v4.1: 658 of 1,614,112 alleles (0.041%); highest among the groups gnomAD compares: East Asian, 1.2%; 2 homozygotes.

Submissions (2):

CeGaT Center for Human Genetics Tuebingen
Classification: Likely benign. Last evaluated: 2026-09-01. Review status: criteria provided, single submitter. Criteria: CeGaT Center For Human Genetics Tuebingen Variant Classification Criteria Version 2. Collection method: clinical testing. Allele origin: germline. Affected: yes. Observed: 3 variant alleles.
Comment: MACF1: BP4, BP7, BS1

Blueprint Genetics
Classification: Likely benign. Last evaluated: 2022-10-21. Review status: criteria provided, single submitter. Criteria: ACMG Guidelines, 2015. Collection method: clinical testing. Allele origin: germline.

NM_001394062.1(MACF1):c.7296C>T (p.Asp2432=)

Gene: MACF1 (microtubule actin crosslinking factor 1; plus strand). Cytogenetic location: 1p34.3.
Variant type: single nucleotide variant.
Coding change: c.7296C>T on transcript NM_001394062.1 (MANE Select); coding-DNA position 7296, C replaced by T.
Protein change: p.Asp2432=; no amino-acid change (aspartic acid 2432 retained).
Molecular consequence: synonymous variant. On other transcripts: intron variant (1).
Genome position (GRCh38, 1-based): chr1:39,333,884, C>T. VCF-style: chr1-39333884-C-T. GRCh37 (hg19) VCF-style: chr1-39799556-C-T.
Other names: c.4629+6531C>T (NM_012090.5).
Identifiers: ClinVar variation 3771070 (VCV003771070.14).
Genomic context (GRCh38, chr1:39,333,884, plus strand): 5'-TGATCTGAAACGAGGCAAAAAAGTTTCAGTAACTTTGGCCTCAACTCTTGGCTTGGTGGA[C>T]GTTGCTGACCAGCCAGAACTTATAAATCTGGAGAAAGCTTCCAAAGGTAGAGATGCTGAA-3'
Protein context (NP_001380991.1, residues 2422-2442): VTLASTLGLV[Asp2432=]VADQPELINL